The following is an entry in ClinVar:

NM_138927.4(SON):c.2935A>G (p.Ile979Val)

Gene: SON (SON DNA and RNA binding protein; plus strand). Cytogenetic location: 21q22.11.
Variant type: single nucleotide variant.
Coding change: c.2935A>G on transcript NM_138927.4 (MANE Select); coding-DNA position 2935, A replaced by G.
Protein change: p.Ile979Val; replaces isoleucine 979 with valine.
Molecular consequence: missense variant. On other transcripts: non-coding transcript variant (1), intron variant (1).
Genome position (GRCh38, 1-based): chr21:33,552,166, A>G. VCF-style: chr21-33552166-A-G. GRCh37 (hg19) VCF-style: chr21-34924472-A-G.
Other names: c.2935A>G, p.Ile979Val (NM_001291411.2, NM_032195.3); c.245-4990A>G (NM_001291412.3); short protein forms I979V.
Identifiers: ClinVar variation 5037732 (VCV005037732.1).
Genomic context (GRCh38, chr21:33,552,166, plus strand): 5'-ACTCCTGATCCCTATAGGATGTCACCTAGACCCTACAGGATAGCACCCAGGTCCTATAGA[A>G]TAGCACCCAGGCCATATAGGTTAGCACCTAGACCCCTGATGTTAGCATCTAGACGTTCTA-3'
Protein context (NP_620305.3, residues 969-989): PYRIAPRSYR[Ile979Val]APRPYRLAPR

ClinVar aggregate classification (germline): Uncertain significance (1 of 4 stars; one submission).

gnomAD v4.1: 1 of 1,614,096 alleles (0.000062%); highest among the groups gnomAD compares: South Asian, 0.0011%; no homozygotes.

Submission:

GeneDx
Classification: Uncertain significance. Last evaluated: 2026-04-13. Review status: criteria provided, single submitter. Criteria: GeneDx Variant Classification Process June 2021. Collection method: clinical testing. Allele origin: germline.
Comment: Not observed at significant frequency in large population cohorts (gnomAD); In silico analysis supports that this missense variant does not alter protein structure/function; Has not been previously published as pathogenic or benign to our knowledge